The following is an entry in ClinVar:

NM_000264.5(PTCH1):c.1636G>T (p.Ala546Ser)

Gene: PTCH1 (patched 1; minus strand). Cytogenetic location: 9q22.32.
Variant type: single nucleotide variant.
Coding change: c.1636G>T on transcript NM_000264.5 (MANE Select); coding-DNA position 1636, G replaced by T.
Protein change: p.Ala546Ser; replaces alanine 546 with serine.
Molecular consequence: missense variant. On other transcripts: non-coding transcript variant (1).
Genome position (GRCh38, 1-based): chr9:95,476,126, C>A on the plus strand (G>T on the coding strand, the complement: PTCH1 is on the minus strand). VCF-style: chr9-95476126-C-A. GRCh37 (hg19) VCF-style: chr9-98238408-C-A.
Other names: c.1438G>T, p.Ala480Ser (NM_001083602.3); c.1633G>T, p.Ala545Ser (NM_001083603.3); c.1183G>T, p.Ala395Ser (NM_001083604.3, NM_001083605.3, NM_001083606.3 and 1 more transcripts); c.1480G>T, p.Ala494Ser (NM_001354918.2); short protein forms A545S, A395S, A494S, A546S, A480S.
Identifiers: ClinVar variation 4675688 (VCV004675688.1).

ClinVar aggregate classification (germline): Uncertain significance (1 of 4 stars; one submission).

Conditions:
Hereditary cancer-predisposing syndrome. Also called: Neoplastic Syndromes, Hereditary; Tumor predisposition; Hereditary Cancer Syndrome; Hereditary neoplastic syndrome. Identifiers: Orphanet 140162, MedGen C0027672, MeSH D009386, MONDO:0015356.

Submission:

Ambry Genetics
Classification: Uncertain significance for Hereditary cancer-predisposing syndrome. Last evaluated: 2025-10-21. Review status: criteria provided, single submitter. Criteria: Ambry Variant Classification Scheme 2023. Collection method: clinical testing. Allele origin: germline.
Comment: The p.A546S variant (also known as c.1636G>T), located in coding exon 12 of the PTCH1 gene, results from a G to T substitution at nucleotide position 1636. The alanine at codon 546 is replaced by serine, an amino acid with similar properties. This amino acid position is conserved. In addition, the in silico prediction for this alteration is inconclusive. Based on the available evidence, the clinical significance of this variant remains unclear.